The following is an entry in ClinVar:

NM_000321.3(RB1):c.2327C>G (p.Pro776Arg)

Gene: RB1 (RB transcriptional corepressor 1; plus strand). Cytogenetic location: 13q14.2.
Variant type: single nucleotide variant.
Coding change: c.2327C>G on transcript NM_000321.3 (MANE Select); coding-DNA position 2327, C replaced by G.
Protein change: p.Pro776Arg; replaces proline 776 with arginine.
Molecular consequence: missense variant.
Genome position (GRCh38, 1-based): chr13:48,465,206, C>G. VCF-style: chr13-48465206-C-G. GRCh37 (hg19) VCF-style: chr13-49039342-C-G.
Other names: c.2327C>G, p.Pro776Arg (NM_001407165.1); short protein forms P776R.
Identifiers: ClinVar variation 4151163 (VCV004151163.1).
Genomic context (GRCh38, chr13:48,465,206, plus strand): 5'-AATGTAATGGGTCCACCAAAACATTAAATAAATAATCTACTTTTTTGTTTTTGCTCTAGC[C>G]CCCTACCTTGTCACCAATACCTCACATTCCTCGAAGCCCTTACAAGTTTCCTAGTTCACC-3'
Protein context (NP_000312.2, residues 766-786): TNILQYASTR[Pro776Arg]PTLSPIPHIP

ClinVar aggregate classification (germline): Uncertain significance (1 of 4 stars; one submission).

Conditions:
Hereditary cancer-predisposing syndrome. Also called: Hereditary neoplastic syndrome; Neoplastic Syndromes, Hereditary; Tumor predisposition; Hereditary Cancer Syndrome. Identifiers: Orphanet 140162, MedGen C0027672, MeSH D009386, MONDO:0015356.

gnomAD v4.1: 11 of 1,613,688 alleles (0.00068%); highest among the groups gnomAD compares: Non-Finnish European, 0.00093%; no homozygotes.

Submission:

Ambry Genetics
Classification: Uncertain significance for Hereditary cancer-predisposing syndrome. Last evaluated: 2025-07-12. Review status: criteria provided, single submitter. Criteria: Ambry Variant Classification Scheme 2023. Collection method: clinical testing. Allele origin: germline.
Comment: The p.P776R variant (also known as c.2327C>G), located in coding exon 23 of the RB1 gene, results from a C to G substitution at nucleotide position 2327. The proline at codon 776 is replaced by arginine, an amino acid with dissimilar properties. This amino acid position is conserved. In addition, the in silico prediction for this alteration is inconclusive. Based on the available evidence, the clinical significance of this variant remains unclear.